The following is an entry in ClinVar:

ClinVar aggregate classification (germline): Uncertain significance (1 of 4 stars; one submission).

Conditions:
MHC class II deficiency. Also called: Bare lymphocyte syndrome 2; BLS, TYPE II. Identifiers: Orphanet 572, MedGen C5447452, MONDO:0008855.

Allele frequency attached by ClinVar (database versions not stated): 1000 Genomes Project 0.00020; 1000 Genomes Project 30x 0.00031.
gnomAD v4.1: 2 of 1,612,450 alleles (0.00012%); highest among the groups gnomAD compares: East Asian, 0.0045%; no homozygotes.

Submission:

Labcorp Genetics (formerly Invitae), Labcorp
Classification: Uncertain significance for MHC class II deficiency. Last evaluated: 2024-02-24. Review status: criteria provided, single submitter. Criteria: Invitae Variant Classification Sherloc (09022015). Collection method: clinical testing. Allele origin: germline.
Comment: This sequence change replaces valine, which is neutral and non-polar, with leucine, which is neutral and non-polar, at codon 847 of the CIITA protein (p.Val847Leu). This variant is present in population databases (rs181710482, gnomAD 0.006%). This variant has not been reported in the literature in individuals affected with CIITA-related conditions. ClinVar contains an entry for this variant (Variation ID: 1983942). An algorithm developed to predict the effect of missense changes on protein structure and function (PolyPhen-2) suggests that this variant is likely to be tolerated. In summary, the available evidence is currently insufficient to determine the role of this variant in disease. Therefore, it has been classified as a Variant of Uncertain Significance.

NM_000246.4(CIITA):c.2539G>C (p.Val847Leu)

Gene: CIITA (class II major histocompatibility complex transactivator; plus strand). Cytogenetic location: 16p13.13.
Variant type: single nucleotide variant.
Coding change: c.2539G>C on transcript NM_000246.4 (MANE Select); coding-DNA position 2539, G replaced by C.
Protein change: p.Val847Leu; replaces valine 847 with leucine.
Molecular consequence: missense variant. On other transcripts: intron variant (1).
Genome position (GRCh38, 1-based): chr16:10,908,031, G>C. VCF-style: chr16-10908031-G-C. GRCh37 (hg19) VCF-style: chr16-11001888-G-C.
Other names: c.2542G>C, p.Val848Leu (NM_001286402.1, NM_001379332.1); c.2395G>C, p.Val799Leu (NM_001379330.1); c.2392G>C, p.Val798Leu (NM_001379331.1); c.2539G>C, p.Val847Leu (NM_001379333.1); c.2470G>C, p.Val824Leu (NM_001379334.1); c.860-952G>C (NM_001286403.2); short protein forms V799L, V848L, V798L, V824L, V847L.
Identifiers: ClinVar variation 1983942 (VCV001983942.3), dbSNP rs181710482, ClinGen allele CA277748220.